The following is an entry in ClinVar:

NM_031935.3(HMCN1):c.10322G>T (p.Gly3441Val)

Gene: HMCN1 (hemicentin 1; plus strand). Cytogenetic location: 1q31.1.
Variant type: single nucleotide variant.
Coding change: c.10322G>T on transcript NM_031935.3 (MANE Select); coding-DNA position 10322, G replaced by T.
Protein change: p.Gly3441Val; replaces glycine 3441 with valine.
Molecular consequence: missense variant.
Genome position (GRCh38, 1-based): chr1:186,095,270, G>T. VCF-style: chr1-186095270-G-T. GRCh37 (hg19) VCF-style: chr1-186064402-G-T.
Other names: short protein forms G3441V.
Identifiers: ClinVar variation 3671237 (VCV003671237.2).

ClinVar aggregate classification (germline): Uncertain significance (1 of 4 stars; one submission).

gnomAD v4.1: 1 of 1,613,652 alleles (0.000062%); highest among the groups gnomAD compares: Non-Finnish European, 0.000085%; no homozygotes.

Submission:

Labcorp Genetics (formerly Invitae), Labcorp
Classification: Uncertain significance. Last evaluated: 2024-04-08. Review status: criteria provided, single submitter. Criteria: Invitae Variant Classification Sherloc (09022015). Collection method: clinical testing. Allele origin: germline.
Comment: This sequence change replaces glycine, which is neutral and non-polar, with valine, which is neutral and non-polar, at codon 3441 of the HMCN1 protein (p.Gly3441Val). This variant is not present in population databases (gnomAD no frequency). This variant has not been reported in the literature in individuals affected with HMCN1-related conditions. An algorithm developed to predict the effect of missense changes on protein structure and function (PolyPhen-2) suggests that this variant is likely to be disruptive. In summary, the available evidence is currently insufficient to determine the role of this variant in disease. Therefore, it has been classified as a Variant of Uncertain Significance.